The following is an entry in ClinVar:

ClinVar aggregate classification (germline): Likely benign (1 of 4 stars; one submission).

Allele frequency attached by ClinVar (database versions not stated): gnomAD exomes below 0.00001 and 0.00001.
gnomAD v4.1: 3 of 1,160,298 alleles (0.00026%); highest among the groups gnomAD compares: Admixed American, 0.0044%; no homozygotes.

Submission:

GeneDx
Classification: Likely benign. Last evaluated: 2017-06-07. Review status: criteria provided, single submitter. Criteria: GeneDx Variant Classification (06012015). Collection method: clinical testing. Allele origin: germline. Affected: yes.
Comment: This variant is considered likely benign or benign based on one or more of the following criteria: it is a conservative change, it occurs at a poorly conserved position in the protein, it is predicted to be benign by multiple in silico algorithms, and/or has population frequency not consistent with disease.

NM_001323289.2(CDKL5):c.-18A>G

Gene: CDKL5 (cyclin dependent kinase like 5; plus strand). Cytogenetic location: Xp22.13.
Variant type: single nucleotide variant.
Coding change: c.-18A>G on transcript NM_001323289.2 (MANE Select); 18 bases upstream of the start codon, A replaced by G.
Molecular consequence: 5 prime UTR variant.
Genome position (GRCh38, 1-based): chrX:18,507,079, A>G. VCF-style: chrX-18507079-A-G. GRCh37 (hg19) VCF-style: chrX-18525199-A-G.
Other names: c.-18A>G (NM_001037343.2, NM_003159.3).
Identifiers: ClinVar variation 509992 (VCV000509992.1), dbSNP rs1483246379, ClinGen allele CA640807307.